The following is an entry in ClinVar:

NM_177438.3(DICER1):c.3096A>C (p.Ile1032=)

Gene: DICER1 (dicer 1, ribonuclease III; minus strand). Cytogenetic location: 14q32.13.
Variant type: single nucleotide variant.
Coding change: c.3096A>C on transcript NM_177438.3 (MANE Select); coding-DNA position 3096, A replaced by C.
Protein change: p.Ile1032=; no amino-acid change (isoleucine 1032 retained).
Molecular consequence: synonymous variant.
Genome position (GRCh38, 1-based): chr14:95,105,244, T>G on the plus strand (A>C on the coding strand, the complement: DICER1 is on the minus strand). VCF-style: chr14-95105244-T-G. GRCh37 (hg19) VCF-style: chr14-95571581-T-G.
Other names: c.3096A>C, p.Ile1032= (NM_001195573.1, NM_001271282.3, NM_001291628.2 and 1 more transcripts).
Identifiers: ClinVar variation 822854 (VCV000822854.21), dbSNP rs1595371322, ClinGen allele CA487627024.

ClinVar aggregate classification (germline): Likely benign. Review status: criteria provided, multiple submitters, no conflicts (2 of 4 stars). 3 submissions from 3 submitters: Likely benign (3). Last evaluated 2025-08-01.

Conditions:
DICER1-related tumor predisposition. Also called: DICER1-related pleuropulmonary blastoma cancer predisposition syndrome; DICER1 syndrome. Identifiers: Orphanet 284343, MedGen C3839822, MONDO:0100216.
Hereditary cancer-predisposing syndrome. Also called: Tumor predisposition; Hereditary neoplastic syndrome; Neoplastic Syndromes, Hereditary; Hereditary Cancer Syndrome. Identifiers: Orphanet 140162, MedGen C0027672, MeSH D009386, MONDO:0015356.

Allele frequency attached by ClinVar (database versions not stated): gnomAD exomes below 0.00001.
gnomAD v4.1: 1 of 1,613,062 alleles (0.000062%); highest among the groups gnomAD compares: South Asian, 0.0011%; no homozygotes.

Submissions (3):

CeGaT Center for Human Genetics Tuebingen
Classification: Likely benign. Last evaluated: 2025-08-01. Review status: criteria provided, single submitter. Criteria: CeGaT Center For Human Genetics Tuebingen Variant Classification Criteria Version 2. Collection method: clinical testing. Allele origin: germline. Affected: yes. Observed: 1 variant allele.
Comment: DICER1: BP4, BP7

Labcorp Genetics (formerly Invitae), Labcorp
Classification: Likely benign for DICER1-related tumor predisposition. Last evaluated: 2021-01-20. Review status: criteria provided, single submitter. Criteria: Invitae Variant Classification Sherloc (09022015). Collection method: clinical testing. Allele origin: germline.

Ambry Genetics
Classification: Likely benign for Hereditary cancer-predisposing syndrome. Last evaluated: 2019-04-17. Review status: criteria provided, single submitter. Criteria: Ambry Variant Classification Scheme 2023. Collection method: clinical testing. Allele origin: germline.